The following is an entry in ClinVar:

NM_019098.4(CNGB3):c.-36T>G

Gene: CNGB3 (cyclic nucleotide gated channel subunit beta 3; minus strand). Cytogenetic location: 8q21.3.
Variant type: single nucleotide variant.
Coding change: c.-36T>G on transcript NM_019098.4; 36 bases upstream of the start codon, T replaced by G.
Genome position (GRCh38, 1-based): chr8:86,743,663, A>C on the plus strand (T>G on the coding strand, the complement: CNGB3 is on the minus strand). VCF-style: chr8-86743663-A-C. GRCh37 (hg19) VCF-style: chr8-87755891-A-C.
Identifiers: ClinVar variation 363890 (VCV000363890.13), dbSNP rs7812496, ClinGen allele CA4800560.

ClinVar aggregate classification (germline): Benign. Review status: criteria provided, multiple submitters, no conflicts (2 of 4 stars). 5 submissions from 4 submitters: Benign (5). Last evaluated 2021-07-10.

Conditions:
Severe early-childhood-onset retinal dystrophy (STGD1). Also called: Stargardt macular dystrophy; Juvenile onset macular degeneration; Stargardt disease 1; MACULAR DYSTROPHY WITH FLECKS, TYPE 1; STGD. Identifiers: Orphanet 364055, Orphanet 827, MedGen C1855465, MeSH D000080362, MONDO:0009549, OMIM 248200.
Achromatopsia 3 (ACHM3). Also called: PINGELAPESE BLINDNESS; TOTAL COLORBLINDNESS WITH MYOPIA; ROD MONOCHROMACY 1; ROD MONOCHROMATISM 1; ACHROMATOPSIA WITH MYOPIA. Identifiers: Orphanet 49382, MedGen C1849792, MONDO:0009875, OMIM 262300.

Allele frequency attached by ClinVar (database versions not stated): ESP Exome Variant Server 0.06189; 1000 Genomes Project 30x 0.08979; 1000 Genomes Project 0.09026; TOPMed 0.07102.

Submissions (5):

Genome-Nilou Lab
Classification: Benign for Achromatopsia 3. Last evaluated: 2021-07-10. Review status: criteria provided, single submitter. Criteria: ACMG Guidelines, 2015. Collection method: clinical testing. Allele origin: germline. Affected: no.

Illumina Laboratory Services, Illumina
Classification: Benign for Severe early-childhood-onset retinal dystrophy. Last evaluated: 2018-01-13. Review status: criteria provided, single submitter. Criteria: ICSL Variant Classification Criteria 13 December 2019. Collection method: clinical testing. Allele origin: germline.
Comment: This variant was observed in the ICSL laboratory as part of a predisposition screen in an ostensibly healthy population. It had not been previously curated by ICSL or reported in the Human Gene Mutation Database (HGMD: prior to June 1st, 2018), and was therefore a candidate for classification through an automated scoring system. Utilizing variant allele frequency, disease prevalence and penetrance estimates, and inheritance mode, an automated score was calculated to assess if this variant is too frequent to cause the disease. Based on the score and internal cut-off values, a variant classified as benign is not then subjected to further curation. The score for this variant resulted in a classification of benign for this disease.

Illumina Laboratory Services, Illumina
Classification: Benign for Achromatopsia 3. Last evaluated: 2018-01-13. Review status: criteria provided, single submitter. Criteria: ICSL Variant Classification Criteria 13 December 2019. Collection method: clinical testing. Allele origin: germline.
Comment: the same text as in the submission from Illumina Laboratory Services, Illumina above.

GeneDx
Classification: Benign. Last evaluated: 2015-03-03. Review status: criteria provided, single submitter. Criteria: GeneDx Variant Classification Process June 2021. Collection method: clinical testing. Allele origin: germline. Affected: yes.

Breakthrough Genomics
Classification: Benign. Review status: criteria provided, single submitter. Criteria: ACMG Guidelines, 2015. Collection method: not provided. Allele origin: germline. Inheritance: Autosomal recessive inheritance. Affected: yes.